The following is an entry in ClinVar:

ClinVar aggregate classification (germline): Uncertain significance (1 of 4 stars; one submission).

Conditions:
Cardiovascular phenotype. Identifiers: MedGen CN230736.

gnomAD v4.1: 2 of 1,574,088 alleles (0.00013%); highest among the groups gnomAD compares: Non-Finnish European, 0.00017%; no homozygotes.

Submission:

Ambry Genetics
Classification: Uncertain significance for Cardiovascular phenotype. Last evaluated: 2026-07-26. Review status: criteria provided, single submitter. Criteria: Ambry Variant Classification Scheme 2023. Collection method: clinical testing. Allele origin: germline.
Comment: The p.V425I variant (also known as c.1273G>A), located in coding exon 6 of the EPHB4 gene, results from a G to A substitution at nucleotide position 1273. The valine at codon 425 is replaced by isoleucine, an amino acid with highly similar properties. This amino acid position is conserved. In addition, this alteration is predicted to be tolerated by in silico analysis. Based on the available evidence, the clinical significance of this variant remains unclear.

NM_004444.5(EPHB4):c.1273G>A (p.Val425Ile)

Gene: EPHB4 (EPH receptor B4; minus strand). Cytogenetic location: 7q22.1.
Variant type: single nucleotide variant.
Coding change: c.1273G>A on transcript NM_004444.5 (MANE Select); coding-DNA position 1273, G replaced by A.
Protein change: p.Val425Ile; replaces valine 425 with isoleucine.
Molecular consequence: missense variant.
Genome position (GRCh38, 1-based): chr7:100,819,581, C>T on the plus strand (G>A on the coding strand, the complement: EPHB4 is on the minus strand). VCF-style: chr7-100819581-C-T. GRCh37 (hg19) VCF-style: chr7-100417203-C-T.
Other names: short protein forms V425I.
Identifiers: ClinVar variation 5036047 (VCV005036047.1).